The following is an entry in ClinVar:

ClinVar aggregate classification (germline): Uncertain significance (1 of 4 stars; one submission).

Conditions:
Combined immunodeficiency due to DOCK8 deficiency (HIES2). Also called: HIES autosomal recessive; Hyper-IgE recurrent infection syndrome, autosomal recessive; DOCK8 Deficiency; HYPER-IgE RECURRENT INFECTION SYNDROME 2, AUTOSOMAL RECESSIVE; HYPER-IgE SYNDROME 2, AUTOSOMAL RECESSIVE, WITH RECURRENT INFECTIONS. Identifiers: Orphanet 217390, MedGen C4722305, MONDO:0009478, OMIM 243700.

Submission:

Labcorp Genetics (formerly Invitae), Labcorp
Classification: Uncertain significance for Combined immunodeficiency due to DOCK8 deficiency. Last evaluated: 2024-01-18. Review status: criteria provided, single submitter. Criteria: Invitae Variant Classification Sherloc (09022015). Collection method: clinical testing. Allele origin: germline.
Comment: This sequence change replaces glutamine, which is neutral and polar, with proline, which is neutral and non-polar, at codon 2078 of the DOCK8 protein (p.Gln2078Pro). This variant is not present in population databases (gnomAD no frequency). This variant has not been reported in the literature in individuals affected with DOCK8-related conditions. An algorithm developed to predict the effect of missense changes on protein structure and function (PolyPhen-2) suggests that this variant is likely to be tolerated. In summary, the available evidence is currently insufficient to determine the role of this variant in disease. Therefore, it has been classified as a Variant of Uncertain Significance.

NM_203447.4(DOCK8):c.6233A>C (p.Gln2078Pro)

Gene: DOCK8 (dedicator of cytokinesis 8; plus strand). Cytogenetic location: 9p24.3.
Variant type: single nucleotide variant.
Coding change: c.6233A>C on transcript NM_203447.4 (MANE Select); coding-DNA position 6233, A replaced by C.
Protein change: p.Gln2078Pro; replaces glutamine 2078 with proline.
Molecular consequence: missense variant.
Genome position (GRCh38, 1-based): chr9:463,681, A>C. VCF-style: chr9-463681-A-C. GRCh37 (hg19) VCF-style: chr9-463681-A-C.
Other names: c.5933A>C, p.Gln1978Pro (NM_001190458.2); c.6029A>C, p.Gln2010Pro (NM_001193536.2); short protein forms Q2010P, Q1978P, Q2078P.
Identifiers: ClinVar variation 2870785 (VCV002870785.3), dbSNP rs748676528, ClinGen allele CA372751875.